The following is an entry in ClinVar:

NM_001009944.3(PKD1):c.1543G>A (p.Gly515Arg)

Gene: PKD1 (polycystin 1, transient receptor potential channel interacting; minus strand). Cytogenetic location: 16p13.3.
Variant type: single nucleotide variant.
Coding change: c.1543G>A on transcript NM_001009944.3 (MANE Select); coding-DNA position 1543, G replaced by A.
Protein change: p.Gly515Arg; replaces glycine 515 with arginine.
Molecular consequence: missense variant.
Genome position (GRCh38, 1-based): chr16:2,116,896, C>T on the plus strand (G>A on the coding strand, the complement: PKD1 is on the minus strand). VCF-style: chr16-2116896-C-T. GRCh37 (hg19) VCF-style: chr16-2166897-C-T.
Other names: p.Gly515Arg; c.1543G>A, p.Gly515Arg (NM_000296.4); short protein forms G515R.
Identifiers: ClinVar variation 447972 (VCV000447972.27), dbSNP rs1555458704, ClinGen allele CA394391793.
Genomic context (GRCh38, chr16:2,116,896, plus strand): 5'-CGGGCTGCAGCTCGCAGACGTAGCTGTGCGGCGCTGAGCACAGGTCGGTGTTACACCACC[C>T]GGTGGGCCCGAGCCGGACGCAGTGCTCGGCTGTGGCTGGGTGTGGCTCCCCGGGCAGCCA-3'
Protein context (NP_001009944.3, residues 505-525): AEHCVRLGPT[Gly515Arg]WCNTDLCSAP

ClinVar aggregate classification (germline): Conflicting classifications of pathogenicity. Review status: criteria provided, conflicting classifications (1 of 4 stars). 11 submissions from 11 submitters: Pathogenic (2); Likely pathogenic (5); Uncertain significance (4). Last evaluated 2026-09-24.

Conditions:
PKD1-related disorder. Also called: PKD1-related condition.
Polycystic kidney disease. Also called: Polycystic kidney dysplasia; Kidney, Polycystic. Identifiers: MedGen C0022680, MeSH D007690, MONDO:0020642, HP:0000113.
Polycystic kidney disease, adult type (PKD1). Also called: POLYCYSTIC KIDNEY DISEASE, ADULT, TYPE I; Polycystic Kidney, Autosomal Dominant; POLYCYSTIC KIDNEY DISEASE 1 WITH OR WITHOUT POLYCYSTIC LIVER DISEASE; Polycystic Kidney Disease 1, Autosomal Dominant; Polycystic kidney disease 1; Polycystic kidney disease 1, severe. Identifiers: MedGen C3149841, MONDO:0008263, OMIM 173900.

Submissions (11):

GeneDx
Classification: Likely pathogenic. Last evaluated: 2026-09-24. Review status: criteria provided, single submitter. Criteria: GeneDx Variant Classification Process June 2021. Collection method: clinical testing. Allele origin: germline.
Comment: Reported as one of several PKD1 variants (phase unknown) in a patient with polycystic kidney disease (PMID: 23985799); Not observed at significant frequency in large population cohorts (gnomAD); In silico analysis supports that this missense variant has a deleterious effect on protein structure/function; In silico analysis supports a deleterious effect on splicing; This variant is associated with the following publications: (PMID: 41292648, 23985799)

Clinical Genetics Laboratory, Skane University Hospital Lund
Classification: Likely pathogenic for Polycystic kidney disease. Last evaluated: 2026-08-26. Review status: criteria provided, single submitter. Criteria: ACMG Guidelines, 2015. Collection method: clinical testing. Allele origin: germline. Affected: yes.
Comment: ACMG criteria used: PS4_Moderate, PM2, PM5 and PP4_Moderate.

Mayo Clinic Laboratories, Mayo Clinic
Classification: Likely pathogenic. Last evaluated: 2025-08-27. Review status: criteria provided, single submitter. Criteria: ACMG Guidelines, 2015. Collection method: clinical testing. Allele origin: germline. Observed: 2 variant alleles.
Comment: PM1, PM2_supporting, PM5_supporting, PS4_moderate

Women's Health and Genetics/Laboratory Corporation of America, LabCorp
Classification: Uncertain significance. Last evaluated: 2025-08-27. Review status: criteria provided, single submitter. Criteria: LabCorp Variant Classification Summary - May 2015. Collection method: clinical testing. Allele origin: germline.
Comment: Variant summary: PKD1 c.1543G>A (p.Gly515Arg) results in a non-conservative amino acid change located in the C-type lectin (CTL) or carbohydrate-recognition domain (IPR001304) of the encoded protein sequence. Algorithms developed to predict the effect of missense changes on protein structure and function are either unavailable or do not agree on the potential impact of this missense change. The variant was absent in 130254 control chromosomes. The available data on variant occurrences in the general population are insufficient to allow any conclusion about variant significance. c.1543G>A has been reported in the literature in individuals affected with Polycystic Kidney Disease 1 (Chang_2013) and bilateral renal cysts (Bullich_2018). These report(s) do not provide unequivocal conclusions about association of the variant with Polycystic Kidney Disease 1. To our knowledge, no experimental evidence demonstrating an impact on protein function has been reported. The following publication have been ascertained in the context of this evaluation (PMID: 23985799, 29801666). ClinVar contains an entry for this variant (Variation ID: 447972). Based on the evidence outlined above, the variant was classified as uncertain significance.

PreventionGenetics, part of Exact Sciences
Classification: Pathogenic for PKD1-related condition. Last evaluated: 2025-01-06. Review status: criteria provided, single submitter. Criteria: ACMG Guidelines, 2015. Collection method: clinical testing. Allele origin: germline.
Comment: The PKD1 c.1543G>A variant is predicted to result in the amino acid substitution p.Gly515Arg. This variant has not been reported in a large population database (gnomAD), indicating this variant is rare. This variant has been reported in an individual with autosomal dominant polycystic kidney disease (ADPKD) (Chang et al. 2013. PubMed ID: 23985799). In addition, we have found this variant in the heterozygous state in multiple presumably unrelated patients tested for cystic kidney disease at PreventionGenetics (internal data). Of note, a different substitution at the same codon, defined as c.1543G>T (p.Gly515Trp), has been reported in presumably unrelated individuals with polycystic kidney disease (Suppl. Table 1, Cornec-Le Gall et al. 2013. PubMed ID: 23431072; Suppl. Table 2, Domingo-Gallego et al. 2021. PubMed ID: 33532864; Suppl. Table S6C, Kim et al. 2019. PubMed ID: 31740684). This c.1543G>A (p.Gly515Arg) variant is interpreted as pathogenic.

Eurofins-Biomnis
Classification: Likely pathogenic for Polycystic kidney disease, adult type. Last evaluated: 2022-09-23. Review status: criteria provided, single submitter. Criteria: Accession Criteria ClinVar Biomnis. Collection method: clinical testing. Allele origin: germline. Affected: yes. Observed: 1 heterozygote.

Mendelics
Classification: Pathogenic for Polycystic kidney disease, adult type. Last evaluated: 2022-05-04. Review status: criteria provided, single submitter. Criteria: Mendelics Assertion Criteria 2019. Collection method: clinical testing. Allele origin: germline.

Blueprint Genetics
Classification: Likely pathogenic for PKD1-related disorders. Last evaluated: 2020-04-28. Review status: criteria provided, single submitter. Criteria: ACMG Guidelines, 2015. Collection method: clinical testing. Allele origin: germline. Affected: yes. Observed: 2 variant alleles.

ARUP Laboratories, Molecular Genetics and Genomics, ARUP Laboratories
Classification: Uncertain significance for Polycystic kidney disease, adult type. Last evaluated: 2020-04-20. Review status: criteria provided, single submitter. Criteria: ARUP Molecular Germline Variant Investigation Process. Collection method: clinical testing. Allele origin: germline.
Comment: The PKD1 c.1543G>A; p.Gly515Arg variant (rs1555458704) is reported in the literature in an individual affected with autosomal dominant polycystic kidney disease (Chang 2013). This variant is absent from general population databases (Exome Variant Server, Genome Aggregation Database), indicating it is not a common polymorphism. The glycine at codon 515 is moderately conserved, and computational analyses (SIFT, PolyPhen-2) predict that this variant is deleterious. Additionally, another amino acid substitution at this codon (p.Gly515Trp) has been reported in multiple individuals with autosomal dominant polycystic kidney disease, although it has not been conclusively demonstrated to cause disease (Cornec-Le Gall 2013, Kim 2019). Due to limited information, the clinical significance of the p.Gly515Arg variant is uncertain at this time. References: Chang MY et al. Novel PKD1 and PKD2 mutations in Taiwanese patients with autosomal dominant polycystic kidney disease. J Hum Genet. 2013 Nov;58(11):720-7. Cornec-Le Gall E et al. Type of PKD1 mutation influences renal outcome in ADPKD. J Am Soc Nephrol. 2013 May;24(6):1006-13. Kim H et al. Genetic Characteristics of Korean Patients with Autosomal Dominant Polycystic Kidney Disease by Targeted Exome Sequencing. Sci Rep. 2019 Nov 18;9(1):16952.

Athena Diagnostics
Classification: Uncertain significance. Last evaluated: 2017-07-14. Review status: criteria provided, single submitter. Criteria: Athena Diagnostics Criteria. Collection method: clinical testing. Allele origin: germline.

Juno Genomics, Hangzhou Juno Genomics, Inc
Classification: Uncertain significance for Polycystic kidney disease, adult type. Review status: criteria provided, single submitter. Criteria: ACMG Guidelines, 2015. Collection method: clinical testing. Allele origin: germline. Affected: yes.
Comment: Absent from controls (or at extremely low frequency if recessive) in Genome Aggregation Database, Exome Sequencing Project, 1000 Genomes Project, or Exome Aggregation Consortium.;Multiple lines of computational evidence support a deleterious effect on the gene or gene product (conservation, evolutionary, splicing impact, etc).;The prevalence of the variant in affected individuals is significantly increased compared to the prevalence in controls.;Patient's phenotype or family history is highly specific for a disease with a single genetic etiology.;Novel missense change at an amino acid residue where a different missense change determined to be pathogenic has been seen before.

Literature cited by the submitters: PubMed 11406351 (cited by Mayo Clinic Laboratories, Mayo Clinic); PubMed 23985799 (cited by 3 submitters); PubMed 29801666 (cited by Women's Health and Genetics/Laboratory Corporation of America, LabCorp).